The following is an entry in ClinVar:

NM_002303.6(LEPR):c.1191T>C (p.Asn397=)

Gene: LEPR (leptin receptor; plus strand). Cytogenetic location: 1p31.3.
Variant type: single nucleotide variant.
Coding change: c.1191T>C on transcript NM_002303.6 (MANE Select); coding-DNA position 1191, T replaced by C.
Protein change: p.Asn397=; no amino-acid change (asparagine 397 retained).
Molecular consequence: synonymous variant.
Genome position (GRCh38, 1-based): chr1:65,601,588, T>C. VCF-style: chr1-65601588-T-C. GRCh37 (hg19) VCF-style: chr1-66067271-T-C.
Other names: c.1191T>C, p.Asn397= (NM_001003679.3, NM_001003680.3, NM_001198687.2 and 2 more transcripts).
Identifiers: ClinVar variation 4995360 (VCV004995360.1).
Genomic context (GRCh38, chr1:65,601,588, plus strand): 5'-TCAAAGCCAGTATGATGTTGTGAGTGATCATGTTAGCAAAGTTACTTTTTTCAATCTGAA[T>C]GAAACCAAACCTCGAGGAAAGTTTACCTATGATGCAGTGTACTGCTGCAATGAACATGAA-3'
Protein context (NP_002294.2, residues 387-407): HVSKVTFFNL[Asn397=]ETKPRGKFTY

ClinVar aggregate classification (germline): Likely benign (1 of 4 stars; one submission).

Conditions:
LEPR-related disorder. Also called: LEPR-related condition; LEPR-related disorders.

gnomAD v4.1: 24 of 1,613,678 alleles (0.0015%); highest among the groups gnomAD compares: Non-Finnish European, 0.0019%; no homozygotes.

Submission:

PreventionGenetics, part of Exact Sciences
Classification: Likely benign for LEPR-related condition. Last evaluated: 2026-07-08. Review status: criteria provided, single submitter. Criteria: ACMG Guidelines, 2015. Collection method: clinical testing. Allele origin: germline.
Comment: This variant is classified as likely benign based on ACMG/AMP sequence variant interpretation guidelines (Richards et al. 2015 PMID: 25741868, with internal and published modifications).